The following is an entry in ClinVar:

ClinVar aggregate classification (germline): Uncertain significance (1 of 4 stars; one submission).

Submission:

Labcorp Genetics (formerly Invitae), Labcorp
Classification: Uncertain significance. Last evaluated: 2024-07-17. Review status: criteria provided, single submitter. Criteria: Invitae Variant Classification Sherloc (09022015). Collection method: clinical testing. Allele origin: germline.
Comment: This sequence change replaces tyrosine, which is neutral and polar, with histidine, which is basic and polar, at codon 645 of the SULF1 protein (p.Tyr645His). This variant is present in population databases (no rsID available, gnomAD 0.0009%). This variant has not been reported in the literature in individuals affected with SULF1-related conditions. An algorithm developed to predict the effect of missense changes on protein structure and function (PolyPhen-2) suggests that this variant is likely to be tolerated. In summary, the available evidence is currently insufficient to determine the role of this variant in disease. Therefore, it has been classified as a Variant of Uncertain Significance.

NM_001128205.2(SULF1):c.1933T>C (p.Tyr645His)

Gene: SULF1 (sulfatase 1; plus strand). Cytogenetic location: 8q13.3.
Variant type: single nucleotide variant.
Coding change: c.1933T>C on transcript NM_001128205.2 (MANE Select); coding-DNA position 1933, T replaced by C.
Protein change: p.Tyr645His; replaces tyrosine 645 with histidine.
Molecular consequence: missense variant. On other transcripts: non-coding transcript variant (7).
Genome position (GRCh38, 1-based): chr8:69,627,292, T>C. VCF-style: chr8-69627292-T-C. GRCh37 (hg19) VCF-style: chr8-70539527-T-C.
Other names: c.1804T>C, p.Tyr602His (NM_001412839.1, NM_001412840.1, NM_001412832.1 and 1 more transcripts); c.1747T>C, p.Tyr583His (NM_001412841.1, NM_001412842.1); c.1333T>C, p.Tyr445His (NM_001412844.1, NM_001412845.1); c.142T>C, p.Tyr48His (NM_001412846.1); c.1933T>C, p.Tyr645His (NM_001412850.1, NM_001412851.1, NM_001128204.2 and 9 more transcripts); c.1876T>C, p.Tyr626His (NM_001412836.1, NM_001412837.1); short protein forms Y583H, Y602H, Y48H, Y626H, Y445H, Y645H.
Identifiers: ClinVar variation 3684634 (VCV003684634.2).